The following is an entry in ClinVar:

NM_182972.3(IRF2BP2):c.1355G>A (p.Arg452Lys)

Gene: IRF2BP2 (interferon regulatory factor 2 binding protein 2; minus strand). Cytogenetic location: 1q42.3.
Variant type: single nucleotide variant.
Coding change: c.1355G>A on transcript NM_182972.3 (MANE Select); coding-DNA position 1355, G replaced by A.
Protein change: p.Arg452Lys; replaces arginine 452 with lysine.
Molecular consequence: missense variant.
Genome position (GRCh38, 1-based): chr1:234,607,546, C>T on the plus strand (G>A on the coding strand, the complement: IRF2BP2 is on the minus strand). VCF-style: chr1-234607546-C-T. GRCh37 (hg19) VCF-style: chr1-234743292-C-T.
Other names: c.1307G>A, p.Arg436Lys (NM_001077397.1); short protein forms R436K, R452K.
Identifiers: ClinVar variation 1388589 (VCV001388589.6), dbSNP rs2102768371, ClinGen allele CA345305885.

ClinVar aggregate classification (germline): Uncertain significance (1 of 4 stars; one submission).

Submission:

Labcorp Genetics (formerly Invitae), Labcorp
Classification: Uncertain significance. Last evaluated: 2021-10-22. Review status: criteria provided, single submitter. Criteria: Invitae Variant Classification Sherloc (09022015). Collection method: clinical testing. Allele origin: germline.
Comment: In summary, the available evidence is currently insufficient to determine the role of this variant in disease. Therefore, it has been classified as a Variant of Uncertain Significance. Algorithms developed to predict the effect of missense changes on protein structure and function are either unavailable or do not agree on the potential impact of this missense change (SIFT: "Tolerated"; PolyPhen-2: "Possibly Damaging"; Align-GVGD: "Class C0"). This variant has not been reported in the literature in individuals affected with IRF2BP2-related conditions. This variant is not present in population databases (ExAC no frequency). This sequence change replaces arginine with lysine at codon 452 of the IRF2BP2 protein (p.Arg452Lys). The arginine residue is moderately conserved and there is a small physicochemical difference between arginine and lysine.